The following is an entry in ClinVar:

NM_032977.4(CASP10):c.788C>G (p.Thr263Ser)

Gene: CASP10 (caspase 10; plus strand). Cytogenetic location: 2q33.1.
Variant type: single nucleotide variant.
Coding change: c.788C>G on transcript NM_032977.4 (MANE Select); coding-DNA position 788, C replaced by G.
Protein change: p.Thr263Ser; replaces threonine 263 with serine.
Molecular consequence: missense variant. On other transcripts: intron variant (4).
Genome position (GRCh38, 1-based): chr2:201,205,948, C>G. VCF-style: chr2-201205948-C-G. GRCh37 (hg19) VCF-style: chr2-202070671-C-G.
Other names: c.788C>G, p.Thr263Ser (NM_032974.5); c.685-2127C>G (NM_001206542.2, NM_001230.5); c.722-2127C>G (NM_032976.4); c.721+2182C>G (NM_001206524.2); short protein forms T263S.
Identifiers: ClinVar variation 1991234 (VCV001991234.4), dbSNP rs1438893689, ClinGen allele CA350284299.

ClinVar aggregate classification (germline): Uncertain significance (1 of 4 stars; one submission).

Conditions:
Autoimmune lymphoproliferative syndrome type 2A (ALPS2A). Also called: Autoimmune lymphoproliferative syndrome type 2; CASP10-Related Autoimmune Lymphoproliferative Syndrome; AUTOIMMUNE LYMPHOPROLIFERATIVE SYNDROME, TYPE IIA. Identifiers: Orphanet 3261, MedGen C1858968, MONDO:0011383, OMIM 603909.

Allele frequency attached by ClinVar (database versions not stated): gnomAD exomes below 0.00001; TOPMed below 0.00001.
gnomAD v4.1: 7 of 1,612,556 alleles (0.00043%); highest among the groups gnomAD compares: Non-Finnish European, 0.00042%; no homozygotes.

Submission:

Labcorp Genetics (formerly Invitae), Labcorp
Classification: Uncertain significance for Autoimmune lymphoproliferative syndrome type 2A. Last evaluated: 2024-10-03. Review status: criteria provided, single submitter. Criteria: Invitae Variant Classification Sherloc (09022015). Collection method: clinical testing. Allele origin: germline.
Comment: This sequence change replaces threonine, which is neutral and polar, with serine, which is neutral and polar, at codon 263 of the CASP10 protein (p.Thr263Ser). This variant is not present in population databases (gnomAD no frequency). This variant has not been reported in the literature in individuals affected with CASP10-related conditions. ClinVar contains an entry for this variant (Variation ID: 1991234). Invitae Evidence Modeling of protein sequence and biophysical properties (such as structural, functional, and spatial information, amino acid conservation, physicochemical variation, residue mobility, and thermodynamic stability) indicates that this missense variant is not expected to disrupt CASP10 protein function with a negative predictive value of 80%. In summary, the available evidence is currently insufficient to determine the role of this variant in disease. Therefore, it has been classified as a Variant of Uncertain Significance.